The following is an entry in ClinVar:

NM_032119.4(ADGRV1):c.18038T>C (p.Phe6013Ser)

Gene: ADGRV1 (adhesion G protein-coupled receptor V1; plus strand). Cytogenetic location: 5q14.3.
Variant type: single nucleotide variant.
Coding change: c.18038T>C on transcript NM_032119.4 (MANE Select); coding-DNA position 18038, T replaced by C.
Protein change: p.Phe6013Ser; replaces phenylalanine 6013 with serine.
Molecular consequence: missense variant. On other transcripts: non-coding transcript variant (1).
Genome position (GRCh38, 1-based): chr5:90,985,408, T>C. VCF-style: chr5-90985408-T-C. GRCh37 (hg19) VCF-style: chr5-90281225-T-C.
Other names: c.18038T>C (NM_032119.3); short protein forms F6013S.
Identifiers: ClinVar variation 1506211 (VCV001506211.9), dbSNP rs2151049145, ClinGen allele CA360429171.

ClinVar aggregate classification (germline): Uncertain significance. Review status: criteria provided, multiple submitters, no conflicts (2 of 4 stars). 2 submissions from 2 submitters: Uncertain significance (2). Last evaluated 2024-06-15.

Submissions (2):

GeneDx
Classification: Uncertain significance. Last evaluated: 2024-06-15. Review status: criteria provided, single submitter. Criteria: GeneDx Variant Classification Process June 2021. Collection method: clinical testing. Allele origin: germline. Affected: yes.
Comment: Not observed at significant frequency in large population cohorts (gnomAD); In silico analysis supports that this missense variant has a deleterious effect on protein structure/function; Has not been previously published as pathogenic or benign to our knowledge

Labcorp Genetics (formerly Invitae), Labcorp
Classification: Uncertain significance. Last evaluated: 2021-06-05. Review status: criteria provided, single submitter. Criteria: Invitae Variant Classification Sherloc (09022015). Collection method: clinical testing. Allele origin: germline.
Comment: This sequence change replaces phenylalanine with serine at codon 6013 of the ADGRV1 protein (p.Phe6013Ser). The phenylalanine residue is moderately conserved and there is a large physicochemical difference between phenylalanine and serine. This variant is not present in population databases (ExAC no frequency). This variant has not been reported in the literature in individuals with ADGRV1-related conditions. Algorithms developed to predict the effect of missense changes on protein structure and function are either unavailable or do not agree on the potential impact of this missense change (SIFT: "Deleterious"; PolyPhen-2: "Possibly Damaging"; Align-GVGD: "Class C0"). In summary, the available evidence is currently insufficient to determine the role of this variant in disease. Therefore, it has been classified as a Variant of Uncertain Significance.